The following is an entry in ClinVar:

ClinVar aggregate classification (germline): Uncertain significance (1 of 4 stars; one submission).

Conditions:
Hereditary cancer-predisposing syndrome. Also called: Neoplastic Syndromes, Hereditary; Tumor predisposition; Hereditary neoplastic syndrome; Hereditary Cancer Syndrome. Identifiers: Orphanet 140162, MedGen C0027672, MeSH D009386, MONDO:0015356.

gnomAD v4.1: 2 of 1,611,620 alleles (0.00012%); highest among the groups gnomAD compares: Non-Finnish European, 0.00017%; no homozygotes.

Submission:

Ambry Genetics
Classification: Uncertain significance for Hereditary cancer-predisposing syndrome. Last evaluated: 2026-07-06. Review status: criteria provided, single submitter. Criteria: Ambry Variant Classification Scheme 2023. Collection method: clinical testing. Allele origin: germline.
Comment: The p.P68S variant (also known as c.202C>T), located in coding exon 4 of the MAX gene, results from a C to T substitution at nucleotide position 202. The proline at codon 68 is replaced by serine, an amino acid with similar properties. This amino acid position is conserved. In addition, this alteration is predicted to be tolerated by in silico analysis. Based on the available evidence, the clinical significance of this variant remains unclear.

NM_002382.5(MAX):c.172-6233C>T

Gene: MAX (MYC associated transcriptional regulator X; minus strand). Cytogenetic location: 14q23.3.
Variant type: single nucleotide variant.
Coding change: c.172-6233C>T on transcript NM_002382.5 (MANE Select); 6233 bases into the intron before coding-DNA position 172, C replaced by T.
Molecular consequence: intron variant. On other transcripts: missense variant (3), synonymous variant (1), non-coding transcript variant (4).
Genome position (GRCh38, 1-based): chr14:65,084,269, G>A on the plus strand (C>T on the coding strand, the complement: MAX is on the minus strand). VCF-style: chr14-65084269-G-A. GRCh37 (hg19) VCF-style: chr14-65550987-G-A.
Other names: c.175C>T, p.Pro59Ser (NM_001271068.2, NM_001407113.1); c.225C>T, p.Leu75= (NM_001407114.1); c.202C>T, p.Pro68Ser (NM_145114.3); c.144+9439C>T (NM_001271069.2); c.171+9439C>T (NM_197957.4); c.-196-6233C>T (NM_001407112.1, NM_001407111.1); c.-103-6233C>T (NM_001407106.1, NM_001407107.1, NM_001320415.2 and 1 more transcripts); c.145-6233C>T (NM_001407095.1, NM_001407110.1, NM_001407102.1 and 6 more transcripts); and 2 more; short protein forms P59S, P68S.
Identifiers: ClinVar variation 5023961 (VCV005023961.1).